The following is an entry in ClinVar:

NM_175737.4(KLB):c.3069_3072del (p.Arg1023fs)

Gene: KLB (klotho beta; plus strand). Cytogenetic location: 4p14.
Variant type: Deletion.
Coding change: c.3069_3072del on transcript NM_175737.4 (MANE Select); coding-DNA positions 3069 to 3072, 4 bases deleted (AAAG; older notation c.3069_3072delAAAG).
Protein change: p.Arg1023fs; shifts the reading frame from arginine 1023.
Molecular consequence: frameshift variant.
Genome position (GRCh38, 1-based): chr4:39,448,620-39,448,623, AAAG deleted; deleting any 4 consecutive bases within chr4:39,448,617-39,448,623 gives the same sequence; the c. name uses the placement nearest the transcript's 3' end. VCF-style (leftmost placement, unchanged base first): chr4-39448616-GAAGA-G. GRCh37 (hg19) VCF-style: chr4-39450236-GAAGA-G.
Other names: short protein forms R1023fs.
Identifiers: ClinVar variation 2891043 (VCV002891043.3), dbSNP rs748839379, ClinGen allele CA2894162.
Genomic context (GRCh38, chr4:39,448,616, plus strand): 5'-GTTGCTTCTTCTCCACCCTGGTTCTACTCTTATCAATTGCCATTTTTCAAAGGCAGAAGA[GAAGA>G]AAGTTTTGGAAAGCAAAAAACTTACAACACATACCATTAAAGAAAGGCAAGAGAGTTGTT-3'

ClinVar aggregate classification (germline): Uncertain significance (1 of 4 stars; one submission).

Submission:

Labcorp Genetics (formerly Invitae), Labcorp
Classification: Uncertain significance. Last evaluated: 2023-11-28. Review status: criteria provided, single submitter. Criteria: Invitae Variant Classification Sherloc (09022015). Collection method: clinical testing. Allele origin: germline.
Comment: This sequence change creates a premature translational stop signal (p.Arg1023Serfs*13) in the KLB gene. While this is not anticipated to result in nonsense mediated decay, it is expected to disrupt the last 22 amino acid(s) of the KLB protein. This variant is present in population databases (rs748839379, gnomAD 0.1%), and has an allele count higher than expected for a pathogenic variant. This variant has not been reported in the literature in individuals affected with KLB-related conditions. In summary, the available evidence is currently insufficient to determine the role of this variant in disease. Therefore, it has been classified as a Variant of Uncertain Significance.